The following is an entry in ClinVar:

NM_020975.6(RET):c.2973G>C (p.Glu991Asp)

Gene: RET (ret proto-oncogene; plus strand). Cytogenetic location: 10q11.21.
Variant type: single nucleotide variant.
Coding change: c.2973G>C on transcript NM_020975.6 (MANE Select); coding-DNA position 2973, G replaced by C.
Protein change: p.Glu991Asp; replaces glutamic acid 991 with aspartic acid.
Molecular consequence: missense variant.
Genome position (GRCh38, 1-based): chr10:43,124,916, G>C. VCF-style: chr10-43124916-G-C. GRCh37 (hg19) VCF-style: chr10-43620364-G-C.
Other names: c.2973G>C, p.Glu991Asp (NM_000323.2, NM_001406743.1, NM_001406744.1 and 4 more transcripts); c.2211G>C, p.Glu737Asp (NM_001355216.2); c.2685G>C, p.Glu895Asp (NM_001406770.1, NM_001406766.1, NM_001406767.1); c.2535G>C, p.Glu845Asp (NM_001406771.1, NM_001406773.1); c.2577G>C, p.Glu859Asp (NM_001406772.1, NM_001406769.1); c.2448G>C, p.Glu816Asp (NM_001406774.1); c.2247G>C, p.Glu749Asp (NM_001406775.1, NM_001406776.1, NM_001406777.1 and 1 more transcripts); c.1788G>C, p.Glu596Asp (NM_001406789.1, NM_001406790.1, NM_001406788.1); and 10 more; short protein forms E737D, E991D, E508D, E749D, E895D, E946D, E948D, E596D.
Identifiers: ClinVar variation 657264 (VCV000657264.14), dbSNP rs1351903863, ClinGen allele CA376558101.

ClinVar aggregate classification (germline): Uncertain significance. Review status: criteria provided, multiple submitters, no conflicts (2 of 4 stars). 3 submissions from 3 submitters: Uncertain significance (3). Last evaluated 2024-08-31.

Conditions:
Hereditary cancer-predisposing syndrome. Also called: Hereditary neoplastic syndrome; Tumor predisposition; Neoplastic Syndromes, Hereditary; Hereditary Cancer Syndrome. Identifiers: Orphanet 140162, MedGen C0027672, MeSH D009386, MONDO:0015356.
Multiple endocrine neoplasia, type 2 (MEN2). Identifiers: Orphanet 653, MedGen C4048306, MONDO:0019003. Disease mechanism: gain of function.

Allele frequency attached by ClinVar (database versions not stated): gnomAD 0.00001; gnomAD exomes below 0.00001; TOPMed 0.00001.
gnomAD v4.1: 2 of 1,614,102 alleles (0.00012%); highest among the groups gnomAD compares: African/African-American, 0.0027%; no homozygotes.

Submissions (3):

Ambry Genetics
Classification: Uncertain significance for Hereditary cancer-predisposing syndrome. Last evaluated: 2024-08-31. Review status: criteria provided, single submitter. Criteria: Ambry Variant Classification Scheme 2023. Collection method: clinical testing. Allele origin: germline.
Comment: The p.E991D variant (also known as c.2973G>C), located in coding exon 18 of the RET gene, results from a G to C substitution at nucleotide position 2973. The glutamic acid at codon 991 is replaced by aspartic acid, an amino acid with highly similar properties. This amino acid position is highly conserved in available vertebrate species. In addition, the in silico prediction for this alteration is inconclusive. Since supporting evidence is limited at this time, the clinical significance of this alteration remains unclear.

All of Us Research Program, National Institutes of Health
Classification: Uncertain significance for Multiple endocrine neoplasia, type 2. Last evaluated: 2023-11-30. Review status: criteria provided, single submitter. Criteria: ACMG Guidelines, 2015. Collection method: clinical testing. Allele origin: germline. Inheritance: Autosomal dominant inheritance. Observed: 1 variant allele, 1 heterozygote.
Comment: This missense variant replaces glutamic acid with aspartic acid at codon 991 of the RET protein. Computational prediction suggests that this variant may not impact protein structure and function (internally defined REVEL score threshold <= 0.5, PMID: 27666373). To our knowledge, functional studies have not been reported for this variant. This variant has not been reported in individuals affected with hereditary cancer in the literature. This variant has been identified in 1/251486 chromosomes in the general population by the Genome Aggregation Database (gnomAD). The available evidence is insufficient to determine the role of this variant in disease conclusively. Therefore, this variant is classified as a Variant of Uncertain Significance.

This study involves interpretation of variants in research participants for the purpose of population health screening. Participant phenotype was not available at the time of variant classification. Additional details can be found in publication PMID: 35346344, PMCID: PMC8962531

Labcorp Genetics (formerly Invitae), Labcorp
Classification: Uncertain significance for Multiple endocrine neoplasia, type 2. Last evaluated: 2022-06-15. Review status: criteria provided, single submitter. Criteria: Invitae Variant Classification Sherloc (09022015). Collection method: clinical testing. Allele origin: germline.
Comment: This variant is present in population databases (no rsID available, gnomAD 0.007%). This sequence change replaces glutamic acid, which is acidic and polar, with aspartic acid, which is acidic and polar, at codon 991 of the RET protein (p.Glu991Asp). This variant has not been reported in the literature in individuals affected with RET-related conditions. ClinVar contains an entry for this variant (Variation ID: 657264). Algorithms developed to predict the effect of missense changes on protein structure and function are either unavailable or do not agree on the potential impact of this missense change (SIFT: "Deleterious"; PolyPhen-2: "Possibly Damaging"; Align-GVGD: "Class C0"). In summary, the available evidence is currently insufficient to determine the role of this variant in disease. Therefore, it has been classified as a Variant of Uncertain Significance.